The following is an entry in ClinVar:

NM_025137.4(SPG11):c.5122-6del

Gene: SPG11 (SPG11 vesicle trafficking associated, spatacsin; minus strand). Cytogenetic location: 15q21.1.
Variant type: Deletion.
Coding change: c.5122-6del on transcript NM_025137.4 (MANE Select); 6 bases into the intron before coding-DNA position 5122, one base deleted (T; older notation c.5122-6delT).
Molecular consequence: intron variant.
Genome position (GRCh38, 1-based): chr15:44,584,564, A deleted on the plus strand (T on the coding strand, the reverse complement: SPG11 is on the minus strand); the first of 3 consecutive A bases (chr15:44,584,564-44,584,566); deleting any one gives the same sequence. VCF-style (leftmost placement, unchanged base first): chr15-44584563-GA-G. GRCh37 (hg19) VCF-style: chr15-44876761-GA-G.
Other names: c.5122-6del (NM_001160227.2); c.5122-6delT (NM_025137.3).
Identifiers: ClinVar variation 1683723 (VCV001683723.8), dbSNP rs1379359957, ClinGen allele CA618005999.

ClinVar aggregate classification (germline): Conflicting classifications of pathogenicity. Review status: criteria provided, conflicting classifications (1 of 4 stars). 3 submissions from 3 submitters: Uncertain significance (1); Likely benign (2). Last evaluated 2025-12-22.

Conditions:
Charcot-Marie-Tooth disease axonal type 2X. Also called: CHARCOT-MARIE-TOOTH NEUROPATHY, TYPE 2X; CHARCOT-MARIE-TOOTH DISEASE, AXONAL, AUTOSOMAL RECESSIVE, TYPE 2X. Identifiers: Orphanet 466775, MedGen C5569024, MONDO:0014726, OMIM 616668.
Inborn genetic diseases. Identifiers: MedGen C0950123, MeSH D030342.
Hereditary spastic paraplegia 11. Also called: Spastic Paraplegia 11; Spastic paraplegia, mental retardation and thin corpus callosum; Nakamura Osame syndrome; Autosomal recessive hereditary spastic paraplegia, mental impairment, and thin corpus callosum; SPASTIC PARAPLEGIA, AUTOSOMAL RECESSIVE, COMPLICATED, WITH THIN CORPUS CALLOSUM; SPASTIC PARAPLEGIA, AUTOSOMAL RECESSIVE, WITH MENTAL IMPAIRMENT AND THIN CORPUS CALLOSUM. Identifiers: Orphanet 2822, MedGen C1858479, MONDO:0011445, OMIM 604360.

Submissions (3):

Labcorp Genetics (formerly Invitae), Labcorp
Classification: Likely benign for Hereditary spastic paraplegia 11. Last evaluated: 2025-12-22. Review status: criteria provided, single submitter. Criteria: Invitae Variant Classification Sherloc (09022015). Collection method: clinical testing. Allele origin: germline.

Ambry Genetics
Classification: Likely benign for Inborn genetic diseases. Last evaluated: 2023-11-27. Review status: criteria provided, single submitter. Criteria: Ambry Variant Classification Scheme 2023. Collection method: clinical testing. Allele origin: germline.

Laboratorio de Genetica e Diagnostico Molecular, Hospital Israelita Albert Einstein
Classification: Uncertain significance for Charcot-Marie-Tooth disease axonal type 2X. Last evaluated: 2021-02-17. Review status: criteria provided, single submitter. Criteria: ACMG Guidelines, 2015. Collection method: clinical testing. Allele origin: germline. Affected: yes.
Comment: ACMG classification criteria: PM2